The following is an entry in ClinVar:

ClinVar aggregate classification (germline): Uncertain significance (1 of 4 stars; one submission).

Conditions:
Catecholaminergic polymorphic ventricular tachycardia 1. Also called: RYR2-Related Catecholaminergic Polymorphic Ventricular Tachycardia; VENTRICULAR TACHYCARDIA, CATECHOLAMINERGIC POLYMORPHIC, 1, WITH OR WITHOUT ATRIAL DYSFUNCTION AND/OR DILATED CARDIOMYOPATHY; VENTRICULAR TACHYCARDIA, STRESS-INDUCED POLYMORPHIC 1. Identifiers: Orphanet 3286, MedGen C1631597, MONDO:0011484, OMIM 604772.

Submission:

Labcorp Genetics (formerly Invitae), Labcorp
Classification: Uncertain significance for Catecholaminergic polymorphic ventricular tachycardia 1. Last evaluated: 2023-02-02. Review status: criteria provided, single submitter. Criteria: Invitae Variant Classification Sherloc (09022015). Collection method: clinical testing. Allele origin: germline.
Comment: This variant, c.13358_13366del, results in the deletion of 3 amino acid(s) of the RYR2 protein (p.Ala4453_Glu4455del), but otherwise preserves the integrity of the reading frame. This variant is not present in population databases (gnomAD no frequency). This variant has not been reported in the literature in individuals affected with RYR2-related conditions. Experimental studies and prediction algorithms are not available or were not evaluated, and the functional significance of this variant is currently unknown. In summary, the available evidence is currently insufficient to determine the role of this variant in disease. Therefore, it has been classified as a Variant of Uncertain Significance.

NM_001035.3(RYR2):c.13358_13366del (p.Ala4453_Glu4455del)

Gene: RYR2 (ryanodine receptor 2; plus strand). Cytogenetic location: 1q43.
Variant type: Deletion.
Coding change: c.13358_13366del on transcript NM_001035.3 (MANE Select); coding-DNA positions 13358 to 13366, 9 bases deleted (CCAAGGAAG; older notation c.13358_13366delCCAAGGAAG).
Protein change: p.Ala4453_Glu4455del.
Molecular consequence: inframe deletion.
Genome position (GRCh38, 1-based): chr1:237,788,017-237,788,025, CCAAGGAAG deleted; deleting any 9 consecutive bases within chr1:237,788,014-237,788,025 gives the same sequence; the c. name uses the placement nearest the transcript's 3' end. VCF-style (leftmost placement, unchanged base first): chr1-237788013-AAAGCCAAGG-A. GRCh37 (hg19) VCF-style: chr1-237951313-AAAGCCAAGG-A.
Identifiers: ClinVar variation 2875277 (VCV002875277.3), dbSNP rs2527854887, ClinGen allele CA2739274083.